The following is an entry in ClinVar:

ClinVar aggregate classification (germline): Conflicting classifications of pathogenicity. Review status: criteria provided, conflicting classifications (1 of 4 stars). 4 submissions from 4 submitters: Uncertain significance (1); Benign (1); Likely benign (2). Last evaluated 2025-08-25.

Conditions:
Hereditary cancer-predisposing syndrome. Also called: Hereditary neoplastic syndrome; Tumor predisposition; Neoplastic Syndromes, Hereditary; Hereditary Cancer Syndrome. Identifiers: Orphanet 140162, MedGen C0027672, MeSH D009386, MONDO:0015356.
Tuberous sclerosis 2 (TSC2). Identifiers: Orphanet 805, MedGen C1860707, MONDO:0013199, OMIM 613254.

Allele frequency attached by ClinVar (database versions not stated): gnomAD exomes below 0.00001; ExAC 0.00001.
gnomAD v4.1: 1 of 1,613,402 alleles (0.000062%); highest among the groups gnomAD compares: Non-Finnish European, 0.000085%; no homozygotes.

Submissions (4):

Labcorp Genetics (formerly Invitae), Labcorp
Classification: Likely benign for Tuberous sclerosis 2. Last evaluated: 2025-08-25. Review status: criteria provided, single submitter. Criteria: Invitae Variant Classification Sherloc (09022015). Collection method: clinical testing. Allele origin: germline.

Myriad Genetics, Inc.
Classification: Benign for Tuberous sclerosis 2. Last evaluated: 2025-05-15. Review status: criteria provided, single submitter. Criteria: Myriad Autosomal Dominant, Autosomal Recessive and X-Linked Classification Criteria (2023). Collection method: clinical testing. Allele origin: unknown.
Comment: This variant is considered benign. This variant is a silent/synonymous amino acid change and it is not expected to impact splicing.

Ambry Genetics
Classification: Likely benign for Hereditary cancer-predisposing syndrome. Last evaluated: 2023-11-23. Review status: criteria provided, single submitter. Criteria: Ambry Variant Classification Scheme 2023. Collection method: clinical testing. Allele origin: germline.

Sema4
Classification: Uncertain significance for Hereditary cancer-predisposing syndrome. Last evaluated: 2021-08-13. Review status: criteria provided, single submitter. Criteria: Sema4 Curation Guidelines. Collection method: curation. Allele origin: germline.
Comment: The TSC2 c.1755T>C (p.R585=) variant has not been reported in the literature to our knowledge. It was observed in 1/113254 chromosomes of the European (non-Finnish) subpopulation in the large and broad cohorts of the Genome Aggregation Database (PMID: 32461654) and has been reported in ClinVar (Variation ID 1142318). In silico tools suggest the variant may alter normal splicing, though these predictions have not been confirmed by functional studies. The evidence is insufficient to meet ACMG/AMP criteria for classifying the variant as benign or pathogenic. Thus, the clinical significance of this variant is currently uncertain.

NM_000548.5(TSC2):c.1755T>C (p.Arg585=)

Gene: TSC2 (TSC complex subunit 2; plus strand). Cytogenetic location: 16p13.3.
Variant type: single nucleotide variant.
Coding change: c.1755T>C on transcript NM_000548.5 (MANE Select); coding-DNA position 1755, T replaced by C.
Protein change: p.Arg585=; no amino-acid change (arginine 585 retained).
Molecular consequence: synonymous variant.
Genome position (GRCh38, 1-based): chr16:2,070,494, T>C. VCF-style: chr16-2070494-T-C. GRCh37 (hg19) VCF-style: chr16-2120495-T-C.
Other names: c.1755T>C, p.Arg585= (NM_001077183.3, NM_001114382.3, NM_001363528.2 and 3 more transcripts); c.1644T>C, p.Arg548= (NM_001318827.2); c.1608T>C, p.Arg536= (NM_001318829.2); c.1155T>C, p.Arg385= (NM_001318831.2); c.1788T>C, p.Arg596= (NM_001318832.2).
Identifiers: ClinVar variation 1142318 (VCV001142318.12), dbSNP rs755484371, ClinGen allele CA033378.